The following is an entry in ClinVar:

NM_002691.4(POLD1):c.3092C>T (p.Pro1031Leu)

Gene: POLD1 (DNA polymerase delta 1, catalytic subunit; plus strand). Cytogenetic location: 19q13.33.
Variant type: single nucleotide variant.
Coding change: c.3092C>T on transcript NM_002691.4 (MANE Select); coding-DNA position 3092, C replaced by T.
Protein change: p.Pro1031Leu; replaces proline 1031 with leucine.
Molecular consequence: missense variant. On other transcripts: non-coding transcript variant (1).
Genome position (GRCh38, 1-based): chr19:50,417,069, C>T. VCF-style: chr19-50417069-C-T. GRCh37 (hg19) VCF-style: chr19-50920326-C-T.
Other names: c.3092C>T, p.Pro1031Leu (NM_001256849.1); c.3170C>T, p.Pro1057Leu (NM_001308632.1); short protein forms P1031L, P1057L.
Identifiers: ClinVar variation 1001044 (VCV001001044.10), dbSNP rs2039327865, ClinGen allele CA406987110.

ClinVar aggregate classification (germline): Uncertain significance. Review status: criteria provided, multiple submitters, no conflicts (2 of 4 stars). 2 submissions from 2 submitters: Uncertain significance (2). Last evaluated 2025-06-10.

Conditions:
POLD1-related polyposis and colorectal cancer syndrome (CRCS10). Also called: Colorectal cancer 10; COLORECTAL CANCER, SUSCEPTIBILITY TO, ON CHROMOSOME 19q; Colorectal cancer, susceptibility to, 10. Identifiers: Orphanet 220460, MedGen C2675481, MONDO:0012953, OMIM 612591.
Hereditary cancer-predisposing syndrome. Also called: Tumor predisposition; Hereditary Cancer Syndrome; Hereditary neoplastic syndrome; Neoplastic Syndromes, Hereditary. Identifiers: Orphanet 140162, MedGen C0027672, MeSH D009386, MONDO:0015356.

Submissions (2):

Ambry Genetics
Classification: Uncertain significance for Hereditary cancer-predisposing syndrome. Last evaluated: 2025-06-10. Review status: criteria provided, single submitter. Criteria: Ambry Variant Classification Scheme 2023. Collection method: clinical testing. Allele origin: germline.

Labcorp Genetics (formerly Invitae), Labcorp
Classification: Uncertain significance for POLD1-related polyposis and colorectal cancer syndrome. Last evaluated: 2025-05-05. Review status: criteria provided, single submitter. Criteria: Invitae Variant Classification Sherloc (09022015). Collection method: clinical testing. Allele origin: germline.
Comment: This sequence change replaces proline, which is neutral and non-polar, with leucine, which is neutral and non-polar, at codon 1031 of the POLD1 protein (p.Pro1031Leu). This variant is not present in population databases (gnomAD no frequency). This variant has not been reported in the literature in individuals affected with POLD1-related conditions. ClinVar contains an entry for this variant (Variation ID: 1001044). Invitae Evidence Modeling of protein sequence and biophysical properties (such as structural, functional, and spatial information, amino acid conservation, physicochemical variation, residue mobility, and thermodynamic stability) indicates that this missense variant is not expected to disrupt POLD1 protein function with a negative predictive value of 80%. In summary, the available evidence is currently insufficient to determine the role of this variant in disease. Therefore, it has been classified as a Variant of Uncertain Significance.